The following is an entry in ClinVar:

NM_021939.4(FKBP10):c.1256+1G>A

Gene: FKBP10 (FKBP prolyl isomerase 10; plus strand). Cytogenetic location: 17q21.2.
Variant type: single nucleotide variant.
Coding change: c.1256+1G>A on transcript NM_021939.4 (MANE Select); the canonical splice donor site of the intron after coding-DNA position 1256, G replaced by A.
Molecular consequence: splice donor variant.
Genome position (GRCh38, 1-based): chr17:41,820,462, G>A. VCF-style: chr17-41820462-G-A. GRCh37 (hg19) VCF-style: chr17-39976714-G-A.
Other names: c.1256+1G>A (NM_021939.3).
Identifiers: ClinVar variation 3629941 (VCV003629941.5).

ClinVar aggregate classification (germline): Pathogenic/Likely pathogenic. Review status: criteria provided, multiple submitters, no conflicts (2 of 4 stars). 5 submissions from 5 submitters: Pathogenic (4); Likely pathogenic (1). Last evaluated 2026-03-25.

Conditions:
Osteogenesis imperfecta (OI). Identifiers: Orphanet 666, MedGen C0029434, MeSH D010013, MONDO:0019019.
Bruck syndrome 1 (BRKS1). Also called: ARTHROGRYPOSIS-LIKE DISORDER. Identifiers: Orphanet 1149, Orphanet 2771, MedGen C1850168, MONDO:0009806, OMIM 259450.

gnomAD v4.1: 12 of 1,613,500 alleles (0.00074%); highest among the groups gnomAD compares: Admixed American, 0.0033%; no homozygotes.

Submissions (5):

GeneDx
Classification: Pathogenic. Last evaluated: 2026-03-25. Review status: criteria provided, single submitter. Criteria: GeneDx Variant Classification Process June 2021. Collection method: clinical testing. Allele origin: germline.
Comment: Canonical splice site variant predicted to result in a null allele in a gene for which loss of function is a known mechanism of disease; Not observed at significant frequency in large population cohorts (gnomAD); This variant is associated with the following publications: (PMID: 34173012, 34902613, 33470886, 38927610)

Labcorp Genetics (formerly Invitae), Labcorp
Classification: Pathogenic. Last evaluated: 2025-11-03. Review status: criteria provided, single submitter. Criteria: Invitae Variant Classification Sherloc (09022015). Collection method: clinical testing. Allele origin: germline.
Comment: This sequence change affects a donor splice site in intron 7 of the FKBP10 gene. It is expected to disrupt RNA splicing. Variants that disrupt the donor or acceptor splice site typically lead to a loss of protein function (PMID: 16199547), and loss-of-function variants in FKBP10 are known to be pathogenic (PMID: 22689593, 22949511). The frequency data for this variant in the population databases is considered unreliable, as metrics indicate poor data quality at this position in the gnomAD database. Disruption of this splice site has been observed in individuals with FKBP10-related conditions (PMID: 33470886, 34173012). ClinVar contains an entry for this variant (Variation ID: 3629941). Algorithms developed to predict the effect of sequence changes on RNA splicing suggest that this variant may disrupt the consensus splice site. For these reasons, this variant has been classified as Pathogenic.

Clinical Biomedical Laboratory, Shriners Hospital For Children - Canada
Classification: Pathogenic for Bruck syndrome 1. Last evaluated: 2025-05-12. Review status: criteria provided, single submitter. Criteria: ACMG Guidelines, 2015. Collection method: clinical testing. Allele origin: germline. Affected: yes.
Comment: The change affects a canonical splice site, which is expected to lead to loss of function. This variant is rare in the Genome Aggregation Database, v2.1.1. The variant has been reported in the literature as a cause of recessive FKBP10 related osteogenesis imperfecta (PMID 33470886).

Women's Health and Genetics/Laboratory Corporation of America, LabCorp
Classification: Pathogenic for Osteogenesis imperfecta. Last evaluated: 2024-11-21. Review status: criteria provided, single submitter. Criteria: LabCorp Variant Classification Summary - May 2015. Collection method: clinical testing. Allele origin: germline.
Comment: Variant summary: FKBP10 c.1256+1G>A is located in a canonical splice-site and is predicted to affect mRNA splicing resulting in a significantly altered protein due to either exon skipping, shortening, or inclusion of intronic material. Variants that disrupt the consensus splice site are a relatively common cause of aberrant splicing and loss of FKBP10 function. Several computational tools predict a significant impact on normal splicing: Two predict the variant abolishes a 5' splicing donor site. However, these predictions have yet to be confirmed by functional studies. The variant allele was found at a frequency of 1.2e-05 in 249758 control chromosomes. c.1256+1G>A has been reported in the literature in multiple homozygous and compound heterozygous individuals affected with Osteogenesis Imperfecta (Demir_2021, Yksel lker_2021, Merkuryeva_2024). These data indicate that the variant is very likely to be associated with disease. To our knowledge, no experimental evidence demonstrating an impact on protein function has been reported. The following publications have been ascertained in the context of this evaluation (PMID: 33470886, 38927610, 34173012). No submitters have cited clinical-significance assessments for this variant to ClinVar. Based on the evidence outlined above, the variant was classified as pathogenic.

Department Of Genetics, Lifeline Super Speciality Hospital, Adoor.
Classification: Likely pathogenic for Bruck syndrome 1. Review status: criteria provided, single submitter. Criteria: ACMG Guidelines, 2015. Collection method: clinical testing. Allele origin: germline. Inheritance: Autosomal recessive inheritance. Affected: yes. Observed: 1 homozygote.
Comment: The variant was further confirmed by Sanger testing.

Literature cited by the submitters: PubMed 16199547 (cited by Labcorp Genetics (formerly Invitae), Labcorp); PubMed 22689593 (cited by Labcorp Genetics (formerly Invitae), Labcorp); PubMed 22949511 (cited by Labcorp Genetics (formerly Invitae), Labcorp); PubMed 33470886 (cited by 3 submitters); PubMed 34173012 (cited by Labcorp Genetics (formerly Invitae), Labcorp and Women's Health and Genetics/Laboratory Corporation of America, LabCorp); PubMed 38927610 (cited by Women's Health and Genetics/Laboratory Corporation of America, LabCorp); DOI 10.1038/ejhg.2011.141 (cited by Department Of Genetics, Lifeline Super Speciality Hospital, Adoor.).